The following is an entry in ClinVar:

NM_000718.4(CACNA1B):c.6121C>T (p.Arg2041Cys)

Gene: CACNA1B (calcium voltage-gated channel subunit alpha1 B; plus strand). Cytogenetic location: 9q34.3.
Variant type: single nucleotide variant.
Coding change: c.6121C>T on transcript NM_000718.4 (MANE Select); coding-DNA position 6121, C replaced by T.
Protein change: p.Arg2041Cys; replaces arginine 2041 with cysteine.
Molecular consequence: missense variant.
Genome position (GRCh38, 1-based): chr9:138,120,255, C>T. VCF-style: chr9-138120255-C-T. GRCh37 (hg19) VCF-style: chr9-141014707-C-T.
Other names: c.6121C>T, p.Arg2041Cys (NM_001243812.2); c.6121C>T (NM_000718.3); short protein forms R2041C.
Identifiers: ClinVar variation 2194391 (VCV002194391.5), dbSNP rs201015728, ClinGen allele CA5377611.

ClinVar aggregate classification (germline): Conflicting classifications of pathogenicity. Review status: criteria provided, conflicting classifications (1 of 4 stars). 2 submissions from 2 submitters: Uncertain significance (1); Likely benign (1). Last evaluated 2025-11-25.

Allele frequency attached by ClinVar (database versions not stated): gnomAD exomes 0.00005; gnomAD 0.00015; TOPMed 0.00016; ESP Exome Variant Server 0.00023; ExAC 0.00024.
gnomAD v4.1: 94 of 1,601,998 alleles (0.0059%); highest among the groups gnomAD compares: African/African-American, 0.035%; no homozygotes.

Submissions (2):

Labcorp Genetics (formerly Invitae), Labcorp
Classification: Likely benign. Last evaluated: 2025-11-25. Review status: criteria provided, single submitter. Criteria: Invitae Variant Classification Sherloc (09022015). Collection method: clinical testing. Allele origin: germline.

GeneDx
Classification: Uncertain significance. Last evaluated: 2024-05-13. Review status: criteria provided, single submitter. Criteria: GeneDx Variant Classification Process June 2021. Collection method: clinical testing. Allele origin: germline. Affected: yes.
Comment: In silico analysis supports that this missense variant has a deleterious effect on protein structure/function; Has not been previously published as pathogenic or benign to our knowledge; Variants in candidate genes are classified as variants of uncertain significance in accordance with ACMG guidelines (PMID: 25741868)